The following is an entry in ClinVar:

NM_006642.5(SDCCAG8):c.1022A>C (p.Lys341Thr)

Gene: SDCCAG8 (SHH signaling and ciliogenesis regulator SDCCAG8; plus strand). Cytogenetic location: 1q43.
Variant type: single nucleotide variant.
Coding change: c.1022A>C on transcript NM_006642.5 (MANE Select); coding-DNA position 1022, A replaced by C.
Protein change: p.Lys341Thr; replaces lysine 341 with threonine.
Molecular consequence: missense variant.
Genome position (GRCh38, 1-based): chr1:243,316,847, A>C. VCF-style: chr1-243316847-A-C. GRCh37 (hg19) VCF-style: chr1-243480149-A-C.
Other names: c.119A>C, p.Lys40Thr (NM_001350246.2, NM_001350247.2, NM_001350251.2); c.1118A>C, p.Lys373Thr (NM_001350248.2); c.728A>C, p.Lys243Thr (NM_001350249.2); c.1022A>C (NM_006642.3); short protein forms K243T, K373T, K341T, K40T.
Identifiers: ClinVar variation 1389486 (VCV001389486.9), dbSNP rs145984257, ClinGen allele CA1483517.

ClinVar aggregate classification (germline): Uncertain significance. Review status: criteria provided, multiple submitters, no conflicts (2 of 4 stars). 5 submissions from 5 submitters: Uncertain significance (5). Last evaluated 2026-03-27.

Conditions:
SDCCAG8-related disorder. Also called: SDCCAG8-Related Disorders; SDCCAG8-related condition.
Bardet-Biedl syndrome 16 (BBS16). Identifiers: Orphanet 110, MedGen C3889474, MONDO:0014444, OMIM 615993.
Senior-Loken syndrome 7 (SLSN7). Identifiers: Orphanet 3156, MedGen C3150877, MONDO:0013326, OMIM 613615.
Inborn genetic diseases. Identifiers: MedGen C0950123, MeSH D030342.

Allele frequency attached by ClinVar (database versions not stated): gnomAD exomes 0.00001; ExAC 0.00002; gnomAD 0.00005 and 0.00006; TOPMed 0.00007; 1000 Genomes Project 30x 0.00016; 1000 Genomes Project 0.00020.
gnomAD v4.1: 19 of 1,614,262 alleles (0.0012%); highest among the groups gnomAD compares: African/African-American, 0.024%; no homozygotes.

Submissions (5):

PreventionGenetics, part of Exact Sciences
Classification: Uncertain significance for SDCCAG8-related condition. Last evaluated: 2026-03-27. Review status: criteria provided, single submitter. Criteria: ACMG Guidelines, 2015. Collection method: clinical testing. Allele origin: germline.
Comment: The SDCCAG8 c.1022A>C variant is predicted to result in the amino acid substitution p.Lys341Thr. To our knowledge, this variant has not been reported in the literature. This variant is reported in 0.012% of alleles in individuals of African descent in gnomAD. At this time, the clinical significance of this variant is uncertain due to the absence of conclusive functional and genetic evidence.

Ambry Genetics
Classification: Uncertain significance for Inborn genetic diseases. Last evaluated: 2024-08-26. Review status: criteria provided, single submitter. Criteria: Ambry Variant Classification Scheme 2023. Collection method: clinical testing. Allele origin: germline.

Fulgent Genetics
Classification: Uncertain significance for Senior-Loken syndrome 7; Bardet-Biedl syndrome 16. Last evaluated: 2024-05-23. Review status: criteria provided, single submitter. Criteria: ACMG Guidelines, 2015. Collection method: clinical testing. Allele origin: germline.

Labcorp Genetics (formerly Invitae), Labcorp
Classification: Uncertain significance for Bardet-Biedl syndrome 16; Senior-Loken syndrome 7. Last evaluated: 2022-09-07. Review status: criteria provided, single submitter. Criteria: Invitae Variant Classification Sherloc (09022015). Collection method: clinical testing. Allele origin: germline.
Comment: This sequence change replaces lysine, which is basic and polar, with threonine, which is neutral and polar, at codon 341 of the SDCCAG8 protein (p.Lys341Thr). This variant is present in population databases (rs145984257, gnomAD 0.01%). This variant has not been reported in the literature in individuals affected with SDCCAG8-related conditions. ClinVar contains an entry for this variant (Variation ID: 1389486). Algorithms developed to predict the effect of missense changes on protein structure and function (SIFT, PolyPhen-2, Align-GVGD) all suggest that this variant is likely to be disruptive. In summary, the available evidence is currently insufficient to determine the role of this variant in disease. Therefore, it has been classified as a Variant of Uncertain Significance.

Blueprint Genetics
Classification: Uncertain significance. Last evaluated: 2022-01-17. Review status: criteria provided, single submitter. Criteria: ACMG Guidelines, 2015. Collection method: clinical testing. Allele origin: germline.